The following is an entry in ClinVar:

ClinVar aggregate classification (germline): Uncertain significance (1 of 4 stars; one submission).

Allele frequency attached by ClinVar (database versions not stated): TOPMed 0.00001.

Submission:

Labcorp Genetics (formerly Invitae), Labcorp
Classification: Uncertain significance. Last evaluated: 2023-10-30. Review status: criteria provided, single submitter. Criteria: Invitae Variant Classification Sherloc (09022015). Collection method: clinical testing. Allele origin: germline.
Comment: This sequence change replaces histidine, which is basic and polar, with aspartic acid, which is acidic and polar, at codon 1851 of the LRP2 protein (p.His1851Asp). This variant is present in population databases (no rsID available, gnomAD 0.003%). This variant has not been reported in the literature in individuals affected with LRP2-related conditions. ClinVar contains an entry for this variant (Variation ID: 1918577). Advanced modeling of protein sequence and biophysical properties (such as structural, functional, and spatial information, amino acid conservation, physicochemical variation, residue mobility, and thermodynamic stability) performed at Invitae indicates that this missense variant is not expected to disrupt LRP2 protein function with a negative predictive value of 95%. In summary, the available evidence is currently insufficient to determine the role of this variant in disease. Therefore, it has been classified as a Variant of Uncertain Significance.

NM_004525.3(LRP2):c.5551C>G (p.His1851Asp)

Gene: LRP2 (LDL receptor related protein 2; minus strand). Cytogenetic location: 2q31.1.
Variant type: single nucleotide variant.
Coding change: c.5551C>G on transcript NM_004525.3 (MANE Select); coding-DNA position 5551, C replaced by G.
Protein change: p.His1851Asp; replaces histidine 1851 with aspartic acid.
Molecular consequence: missense variant.
Genome position (GRCh38, 1-based): chr2:169,220,551, G>C on the plus strand (C>G on the coding strand, the complement: LRP2 is on the minus strand). VCF-style: chr2-169220551-G-C. GRCh37 (hg19) VCF-style: chr2-170077061-G-C.
Other names: short protein forms H1851D.
Identifiers: ClinVar variation 1918577 (VCV001918577.5), dbSNP rs1177647614, ClinGen allele CA349138162.